The following is an entry in ClinVar:

ClinVar aggregate classification (germline): Uncertain significance (1 of 4 stars; one submission).

Conditions:
Leigh syndrome (NULS). Also called: Leigh's necrotizing encephalopathy; Leigh's disease; Leigh Syndrome (mtDNA deletion); Leigh Disease; Subacute necrotizing encephalopathy; Necrotizing encephalopathy infantile subacute of Leigh. Identifiers: Orphanet 506, MedGen C2931891, MONDO:0009723, OMIM 256000.

Submission:

Wong Mito Lab, Molecular and Human Genetics, Baylor College of Medicine
Classification: Uncertain significance for Leigh syndrome. Last evaluated: 2019-10-17. Review status: criteria provided, single submitter. Criteria: Modified ACMG Guidelines (Unpublished). Collection method: clinical testing. Allele origin: germline.
Comment: The NC_012920.1:m.3427G>A (YP_003024026.1:p.Gly41Ser) variant in MTND1 gene is interpretated to be a Uncertain Significance variant based on the modified ACMG guidelines (unpublished). This variant meets the following evidence codes: PP7

NC_012920.1(MT-ND1):m.3427G>A

Gene: MT-ND1 (mitochondrially encoded NADH dehydrogenase 1; plus strand).
Variant type: single nucleotide variant.
Genome position: chrM-3427-G-A.
Identifiers: ClinVar variation 692355 (VCV000692355.1), dbSNP rs1603218960, ClinGen allele CA414772759.
Genomic context (GRCh38, chrMT:3,427, plus strand): 5'-ATGCTTACCGAACGAAAAATTCTAGGCTATATACAACTACGCAAAGGCCCCAACGTTGTA[G>A]GCCCCTACGGGCTACTACAACCCTTCGCTGACGCCATAAAACTCTTCACCAAAGAGCCCC-3'